The following is an entry in ClinVar:

ClinVar aggregate classification (germline): Uncertain significance. Review status: criteria provided, multiple submitters, no conflicts (2 of 4 stars). 2 submissions from 2 submitters: Uncertain significance (2). Last evaluated 2026-04-14.

Conditions:
Familial intrahepatic cholestasis. Identifiers: Orphanet 284385, MedGen CN296401, MONDO:0017290.
ATP8B1-related disorder. Also called: ATP8B1-related disorders; ATP8B1-related condition.

Allele frequency attached by ClinVar (database versions not stated): ExAC 0.00001; gnomAD 0.00002; TOPMed 0.00002.
gnomAD v4.1: 65 of 1,613,790 alleles (0.004%); highest among the groups gnomAD compares: Non-Finnish European, 0.0044%; no homozygotes.

Submissions (2):

Genomenon, Inc
Classification: Uncertain significance for Familial intrahepatic cholestasis. Last evaluated: 2026-04-14. Review status: criteria provided, single submitter. Criteria: Genomenon Sequence Variant Interpretation Standards - Updated. Collection method: curation. Allele origin: germline. Affected: no.
Comment: ATP8B1 p.Val868Ile (c.2602G>A) is a missense variant that changes the amino acid at residue 868 from Valine to Isoleucine. This variant has been reported in the published literature (PMID:37208429). It is absent or not present at a significant frequency in gnomAD. In conclusion, we classify ATP8B1 p.Val868Ile (c.2602G>A) as a variant of uncertain significance.

PreventionGenetics, part of Exact Sciences
Classification: Uncertain significance for ATP8B1-related condition. Last evaluated: 2022-11-07. Review status: criteria provided, single submitter. Criteria: ACMG Guidelines, 2015. Collection method: clinical testing. Allele origin: germline.
Comment: The ATP8B1 c.2602G>A variant is predicted to result in the amino acid substitution p.Val868Ile. To our knowledge, this variant has not been reported in the literature. This variant is reported in 0.0080% of alleles in individuals of European (Finnish) descent in gnomAD. At this time, the clinical significance of this variant is uncertain due to the absence of conclusive functional and genetic evidence.

Literature cited by the submitters: PubMed 37208429 (cited by Genomenon, Inc).

NM_001374385.1(ATP8B1):c.2602G>A (p.Val868Ile)

Genes: ATP8B1 (ATPase phospholipid transporting 8B1; minus strand), ATP8B1-AS1 (ATP8B1 antisense RNA 1; plus strand). Cytogenetic location: 18q21.31.
Variant type: single nucleotide variant.
Coding change: c.2602G>A on transcript NM_001374385.1 (MANE Select); coding-DNA position 2602, G replaced by A.
Protein change: p.Val868Ile; replaces valine 868 with isoleucine.
Molecular consequence: missense variant.
Genome position (GRCh38, 1-based): chr18:57,661,279, C>T on the plus strand (G>A on the coding strand, the complement: ATP8B1 is on the minus strand). VCF-style: chr18-57661279-C-T. GRCh37 (hg19) VCF-style: chr18-55328511-C-T.
Other names: c.2452G>A, p.Val818Ile (NM_001374386.1); c.2602G>A, p.Val868Ile (NM_005603.6); short protein forms V818I, V868I.
Identifiers: ClinVar variation 2636850 (VCV002636850.2), dbSNP rs750735500, ClinGen allele CA8974216.
Genomic context (GRCh38, chr18:57,661,279, plus strand): 5'-TGATGGCTTTCTTGTACCTCTTCACCAGGTCCACCACCATGGCCTTCTGCTTGGGGGTGA[C>T]GCGGCAGCAGATGACTGCGCTGCACTCGCAGGCCAGGTCCACAAAGTTTTTCTGCCGCTG-3'
Protein context (NP_001361314.1, residues 858-878): CECSAVICCR[Val868Ile]TPKQKAMVVD